The following is an entry in ClinVar:

ClinVar aggregate classification (germline): Benign. Review status: criteria provided, multiple submitters, no conflicts (2 of 4 stars). 5 submissions from 5 submitters: Benign (5). Last evaluated 2026-02-02.

Conditions:
Progressive myositis ossificans (FOP). Also called: Myositis ossificans progressiva; Progressive ossifying myositis; Fibrodysplasia Ossificans Progressiva. Identifiers: Orphanet 337, MedGen C0016037, MONDO:0007606, OMIM 135100.

Allele frequency attached by ClinVar (database versions not stated): gnomAD exomes 0.00200 and 0.00594; ExAC 0.00690; gnomAD 0.01849 and 0.01961; TOPMed 0.01997; ESP Exome Variant Server 0.02022; 1000 Genomes Project 0.02616; 1000 Genomes Project 30x 0.02701.
gnomAD v4.1: 5,958 of 1,614,030 alleles (0.37%); highest among the groups gnomAD compares: African/African-American, 6%; 153 homozygotes.

Submissions (5):

Labcorp Genetics (formerly Invitae), Labcorp
Classification: Benign. Last evaluated: 2026-02-02. Review status: criteria provided, single submitter. Criteria: Invitae Variant Classification Sherloc (09022015). Collection method: clinical testing. Allele origin: germline.

Genome-Nilou Lab
Classification: Benign for Progressive myositis ossificans. Last evaluated: 2021-12-05. Review status: criteria provided, single submitter. Criteria: ACMG Guidelines, 2015. Collection method: clinical testing. Allele origin: germline. Affected: no.

GeneDx
Classification: Benign. Last evaluated: 2021-05-04. Review status: criteria provided, single submitter. Criteria: GeneDx Variant Classification Process June 2021. Collection method: clinical testing. Allele origin: germline. Affected: yes.

Illumina Laboratory Services, Illumina
Classification: Benign for Progressive myositis ossificans. Last evaluated: 2018-01-12. Review status: criteria provided, single submitter. Criteria: ICSL Variant Classification Criteria 13 December 2019. Collection method: clinical testing. Allele origin: germline.
Comment: This variant was observed in the ICSL laboratory as part of a predisposition screen in an ostensibly healthy population. It had not been previously curated by ICSL or reported in the Human Gene Mutation Database (HGMD: prior to June 1st, 2018), and was therefore a candidate for classification through an automated scoring system. Utilizing variant allele frequency, disease prevalence and penetrance estimates, and inheritance mode, an automated score was calculated to assess if this variant is too frequent to cause the disease. Based on the score and internal cut-off values, a variant classified as benign is not then subjected to further curation. The score for this variant resulted in a classification of benign for this disease.

Breakthrough Genomics
Classification: Benign. Review status: criteria provided, single submitter. Criteria: ACMG Guidelines, 2015. Collection method: not provided. Allele origin: germline. Inheritance: Autosomal dominant inheritance. Affected: yes.

NM_001111067.4(ACVR1):c.1513T>C (p.Leu505=)

Gene: ACVR1 (activin A receptor type 1; minus strand). Cytogenetic location: 2q24.1.
Variant type: single nucleotide variant.
Coding change: c.1513T>C on transcript NM_001111067.4 (MANE Select); coding-DNA position 1513, T replaced by C.
Protein change: p.Leu505=; no amino-acid change (leucine 505 retained).
Molecular consequence: synonymous variant.
Genome position (GRCh38, 1-based): chr2:157,737,548, A>G on the plus strand (T>C on the coding strand, the complement: ACVR1 is on the minus strand). VCF-style: chr2-157737548-A-G. GRCh37 (hg19) VCF-style: chr2-158594060-A-G.
Other names: c.1513T>C, p.Leu505= (NM_001105.5, NM_001347663.1, NM_001347664.1 and 3 more transcripts).
Identifiers: ClinVar variation 331688 (VCV000331688.18), dbSNP rs3738927, ClinGen allele CA1918931.